The following is an entry in ClinVar:

ClinVar aggregate classification (germline): Uncertain significance (1 of 4 stars; one submission).

Conditions:
Medium-chain acyl-coenzyme A dehydrogenase deficiency (ACADMD). Also called: MCADH DEFICIENCY; MCAD Deficiency; MCADD; ACADM DEFICIENCY; CARNITINE DEFICIENCY SECONDARY TO MEDIUM-CHAIN ACYL-CoA DEHYDROGENASE DEFICIENCY; Medium chain acyl-CoA dehydrogenase deficiency. Identifiers: Orphanet 42, MedGen C0220710, MONDO:0008721, OMIM 201450.

gnomAD v4.1: 4 of 1,613,938 alleles (0.00025%); highest among the groups gnomAD compares: Non-Finnish European, 0.00034%; no homozygotes.

Submission:

Department of Endocrinology and Genetics, Fuzhou Children’s Hospital of Fujian Medical University
Classification: Uncertain significance for Medium-chain acyl-coenzyme A dehydrogenase deficiency. Review status: criteria provided, single submitter. Criteria: ACMG Guidelines, 2015. Collection method: research. Allele origin: maternal. Inheritance: Autosomal recessive inheritance. Affected: yes.
Comment: The ACADM c.1171A>G (p.M391V) mutation results in a substitution of the amino acid methionine with valine at position 391. This mutation has been associated with Medium Chain Acyl-CoA Dehydrogenase Deficiency, as documented in a study by Wang (2019, Front Genet 10, 1052). However, functional assays to validate its pathogenicity remain lacking, with only two reported cases of this mutation. According to the ACMG guidelines, this variant is classified as a Variant of Uncertain Significance (VUS) due to the criteria PM2, PM3, PP3, and PP4.

Literature cited by the submitters: PubMed 23574375.

NM_000016.6(ACADM):c.1171A>G (p.Met391Val)

Gene: ACADM (acyl-CoA dehydrogenase medium chain; plus strand). Cytogenetic location: 1p31.1.
Variant type: single nucleotide variant.
Coding change: c.1171A>G on transcript NM_000016.6 (MANE Select); coding-DNA position 1171, A replaced by G.
Protein change: p.Met391Val; replaces methionine 391 with valine.
Molecular consequence: missense variant.
Genome position (GRCh38, 1-based): chr1:75,761,347, A>G. VCF-style: chr1-75761347-A-G. GRCh37 (hg19) VCF-style: chr1-76227032-A-G.
Other names: c.1183A>G, p.Met395Val (NM_001127328.3); c.1063A>G, p.Met355Val (NM_001286042.2); c.1270A>G, p.Met424Val (NM_001286043.2); c.604A>G, p.Met202Val (NM_001286044.2); short protein forms M202V, M355V, M391V, M395V, M424V.
Identifiers: ClinVar variation 3731552 (VCV003731552.2).